The following is an entry in ClinVar:

NM_004168.4(SDHA):c.1984C>T (p.Arg662Cys)

Gene: SDHA (succinate dehydrogenase complex flavoprotein subunit A; plus strand). Cytogenetic location: 5p15.33.
Variant type: single nucleotide variant.
Coding change: c.1984C>T on transcript NM_004168.4 (MANE Select); coding-DNA position 1984, C replaced by T.
Protein change: p.Arg662Cys; replaces arginine 662 with cysteine.
Molecular consequence: missense variant.
Genome position (GRCh38, 1-based): chr5:256,409, C>T. VCF-style: chr5-256409-C-T. GRCh37 (hg19) VCF-style: chr5-256524-C-T.
Other names: c.1984C>T (NM_004168.2); c.1840C>T, p.Arg614Cys (NM_001294332.2); c.1741C>T, p.Arg581Cys (NM_001330758.2); short protein forms R581C, R614C, R662C.
Identifiers: ClinVar variation 694327 (VCV000694327.21), dbSNP rs1737195067, ClinGen allele CA359003173.
Genomic context (GRCh38, chr5:256,409, plus strand): 5'-AGACCCGTGATCGACAAAACTTTGAACGAGGCTGACTGTGCCACCGTCCCGCCAGCCATT[C>T]GCTCCTACTGATGAGACAAGATGTGGTGATGACAGAATCAGCTTTTGTAATTATGTATAA-3'
Protein context (NP_004159.2, residues 652-664): ADCATVPPAI[Arg662Cys]SY

ClinVar aggregate classification (germline): Conflicting classifications of pathogenicity. Review status: criteria provided, conflicting classifications (1 of 4 stars). 5 submissions from 5 submitters: Likely pathogenic (1); Uncertain significance (4). Last evaluated 2026-03-19.

Conditions:
Pheochromocytoma/paraganglioma syndrome 5. Also called: SDHA-Related Hereditary Paraganglioma-Pheochromocytoma Syndrome; Paragangliomas 5. Identifiers: Orphanet 29072, MedGen C3279992, MONDO:0013602, OMIM 614165.
Mitochondrial complex II deficiency, nuclear type 1. Also called: SUCCINATE CoQ REDUCTASE DEFICIENCY. Identifiers: Orphanet 3208, MedGen C5700310, MONDO:0100294, OMIM 252011.
Dilated cardiomyopathy 1GG (CMD1GG). Identifiers: Orphanet 154, MedGen C3150898, MONDO:0013339, OMIM 613642.
Neurodegeneration with ataxia and late-onset optic atrophy. Identifiers: MedGen C5543254, MONDO:0031006, OMIM 619259.
Hereditary cancer-predisposing syndrome. Also called: Neoplastic Syndromes, Hereditary; Hereditary neoplastic syndrome; Hereditary Cancer Syndrome; Tumor predisposition. Identifiers: Orphanet 140162, MedGen C0027672, MeSH D009386, MONDO:0015356.

Allele frequency attached by ClinVar (database versions not stated): gnomAD exomes below 0.00001.
gnomAD v4.1: 1 of 1,612,828 alleles (0.000062%); highest among the groups gnomAD compares: Non-Finnish European, 0.000085%; no homozygotes.

Submissions (5):

Ambry Genetics
Classification: Uncertain significance for Hereditary cancer-predisposing syndrome. Last evaluated: 2026-03-19. Review status: criteria provided, single submitter. Criteria: Ambry Variant Classification Scheme 2023. Collection method: clinical testing. Allele origin: germline.
Comment: The p.R662C variant (also known as c.1984C>T), located in coding exon 15 of the SDHA gene, results from a C to T substitution at nucleotide position 1984. The arginine at codon 662 is replaced by cysteine, an amino acid with highly dissimilar properties. In an assay testing SDHA function, this variant showed a functionally abnormal result (Kent JD et al. Clin Cancer Res, 2024 Dec;30:5399-5412). This amino acid position is well conserved in available vertebrate species. In addition, this alteration is predicted to be deleterious by in silico analysis. Based on the available evidence, the clinical significance of this variant remains unclear.

GeneDx
Classification: Uncertain significance. Last evaluated: 2025-03-21. Review status: criteria provided, single submitter. Criteria: GeneDx Variant Classification Process June 2021. Collection method: clinical testing. Allele origin: germline. Affected: yes.
Comment: In silico analysis supports that this missense variant has a deleterious effect on protein structure/function; Not observed at significant frequency in large population cohorts (gnomAD); This variant is associated with the following publications: (PMID: 33471299, 36305856)

Labcorp Genetics (formerly Invitae), Labcorp
Classification: Uncertain significance for Pheochromocytoma/paraganglioma syndrome 5; Mitochondrial complex II deficiency, nuclear type 1. Last evaluated: 2023-03-23. Review status: criteria provided, single submitter. Criteria: Invitae Variant Classification Sherloc (09022015). Collection method: clinical testing. Allele origin: germline.
Comment: This sequence change replaces arginine, which is basic and polar, with cysteine, which is neutral and slightly polar, at codon 662 of the SDHA protein (p.Arg662Cys). This variant is not present in population databases (gnomAD no frequency). This variant has not been reported in the literature in individuals affected with SDHA-related conditions. ClinVar contains an entry for this variant (Variation ID: 694327). Advanced modeling of protein sequence and biophysical properties (such as structural, functional, and spatial information, amino acid conservation, physicochemical variation, residue mobility, and thermodynamic stability) performed at Invitae indicates that this missense variant is not expected to disrupt SDHA protein function. In summary, the available evidence is currently insufficient to determine the role of this variant in disease. Therefore, it has been classified as a Variant of Uncertain Significance.

Clinical Genetics Laboratory, Emek Medical Center
Classification: Likely pathogenic for Mitochondrial complex II deficiency, nuclear type 1. Last evaluated: 2019-09-25. Review status: criteria provided, single submitter. Criteria: ACMG Guidelines, 2015. Collection method: clinical testing. Allele origin: de novo. Inheritance: Autosomal dominant inheritance. Affected: yes. Observed: 1 heterozygote.
Comment: This is a very rare variant absent from databases such as GnomAD and ExAC and is de novo. Another heterozygous variant p.Arg451Cys was described previously in 5 affected individuals with optic atrophy and neurological abnormalities (Courage et al 2017, Birch-Machin et al 2000). Biochemical studies showed decreased (40-50% of control) SDH and mitochondrial respiratory chain Complex II deficiency in patient derived fibroblasts and lymphocytes. Based on the above (proper clinical features resembling previous reports, absence of variant from controls and evidence of appropriate biochemical studies e.g decreased enzyme activity we consider p.Arg662Cys pathogenic and the cause for our patient's clinical features.

Juno Genomics, Hangzhou Juno Genomics, Inc
Classification: Uncertain significance for Pheochromocytoma/paraganglioma syndrome 5; Dilated cardiomyopathy 1GG; Mitochondrial complex II deficiency, nuclear type 1; Neurodegeneration with ataxia and late-onset optic atrophy. Review status: criteria provided, single submitter. Criteria: ACMG Guidelines, 2015. Collection method: clinical testing. Allele origin: germline.

Literature cited by the submitters: PubMed 39321216 (cited by Ambry Genetics).